The following is an entry in ClinVar:

NM_003265.3(TLR3):c.338A>C (p.Gln113Pro)

Gene: TLR3 (toll like receptor 3; plus strand). Cytogenetic location: 4q35.1.
Variant type: single nucleotide variant.
Coding change: c.338A>C on transcript NM_003265.3 (MANE Select); coding-DNA position 338, A replaced by C.
Protein change: p.Gln113Pro; replaces glutamine 113 with proline.
Molecular consequence: missense variant.
Genome position (GRCh38, 1-based): chr4:186,076,957, A>C. VCF-style: chr4-186076957-A-C. GRCh37 (hg19) VCF-style: chr4-186998111-A-C.
Other names: short protein forms Q113P.
Identifiers: ClinVar variation 1348100 (VCV001348100.8), dbSNP rs559783546, ClinGen allele CA3161197.

ClinVar aggregate classification (germline): Uncertain significance (1 of 4 stars; one submission).

Conditions:
Encephalopathy, acute, infection-induced (herpes-specific), susceptibility to, 1. Also called: Herpes simplex encephalitis, susceptibility to, 1. Identifiers: Orphanet 1930, MedGen C2750180, MONDO:0024563, OMIM 610551.

Allele frequency attached by ClinVar (database versions not stated): gnomAD 0.00001 and 0.00003; gnomAD exomes 0.00004 and 0.00002; 1000 Genomes Project 30x 0.00031; TOPMed 0.00003; 1000 Genomes Project 0.00040; ExAC 0.00005.
gnomAD v4.1: 27 of 1,614,022 alleles (0.0017%); highest among the groups gnomAD compares: East Asian, 0.058%; no homozygotes.

Submission:

Labcorp Genetics (formerly Invitae), Labcorp
Classification: Uncertain significance for Encephalopathy, acute, infection-induced (herpes-specific), susceptibility to, 1. Last evaluated: 2024-02-17. Review status: criteria provided, single submitter. Criteria: Invitae Variant Classification Sherloc (09022015). Collection method: clinical testing. Allele origin: germline.
Comment: This sequence change replaces glutamine, which is neutral and polar, with proline, which is neutral and non-polar, at codon 113 of the TLR3 protein (p.Gln113Pro). This variant is present in population databases (rs559783546, gnomAD 0.04%). This variant has not been reported in the literature in individuals affected with TLR3-related conditions. ClinVar contains an entry for this variant (Variation ID: 1348100). An algorithm developed to predict the effect of missense changes on protein structure and function (PolyPhen-2) suggests that this variant is likely to be tolerated. In summary, the available evidence is currently insufficient to determine the role of this variant in disease. Therefore, it has been classified as a Variant of Uncertain Significance.